The following is an entry in ClinVar:

ClinVar aggregate classification (germline): Benign. Review status: criteria provided, multiple submitters, no conflicts (2 of 4 stars). 5 submissions from 5 submitters: Benign (4). 1 of the submissions does not count toward it. Last evaluated 2026-09-01.

Conditions:
Weiss-Kruszka syndrome. Also called: Metopic ridging-ptosis-facial dysmorphism syndrome. Identifiers: Orphanet 502430, MedGen C5568107, MONDO:0032836, OMIM 618619.
ZNF462-related disorder. Also called: ZNF462-related condition; ZNF462 related disease.

Allele frequency attached by ClinVar (database versions not stated): 1000 Genomes Project 0.00699; 1000 Genomes Project 30x 0.00781; TOPMed 0.00811; ESP Exome Variant Server 0.00815; gnomAD 0.00857 and 0.00871; gnomAD exomes 0.00947 and 0.01070; ExAC 0.00957.
gnomAD v4.1: 16,817 of 1,614,124 alleles (1%); highest among the groups gnomAD compares: Middle Eastern, 2%; 117 homozygotes.

Submissions (5):

CeGaT Center for Human Genetics Tuebingen
Classification: Benign. Last evaluated: 2026-09-01. Review status: criteria provided, single submitter. Criteria: CeGaT Center For Human Genetics Tuebingen Variant Classification Criteria Version 2. Collection method: clinical testing. Allele origin: germline. Affected: yes. Observed: 43 variant alleles.
Comment: ZNF462: BP4, BP7, BS1, BS2

Genome-Nilou Lab
Classification: Benign for Weiss-Kruszka syndrome. Last evaluated: 2021-12-05. Review status: criteria provided, single submitter. Criteria: ACMG Guidelines, 2015. Collection method: clinical testing. Allele origin: germline. Affected: no.

Labcorp Genetics (formerly Invitae), Labcorp
Classification: Benign. Last evaluated: 2019-12-31. Review status: criteria provided, single submitter. Criteria: Invitae Variant Classification Sherloc (09022015). Collection method: clinical testing. Allele origin: germline.

Breakthrough Genomics
Classification: Benign. Review status: criteria provided, single submitter. Criteria: ACMG Guidelines, 2015. Collection method: not provided. Allele origin: germline. Inheritance: Autosomal dominant inheritance. Affected: yes.

PreventionGenetics, part of Exact Sciences
Classification: Benign for ZNF462-related condition. Last evaluated: 2019-06-06. Review status: no assertion criteria provided. Collection method: clinical testing. Allele origin: germline. Not counted in ClinVar's aggregate classification.
Comment: This variant is classified as benign based on ACMG/AMP sequence variant interpretation guidelines (Richards et al. 2015 PMID: 25741868, with internal and published modifications).

NM_021224.6(ZNF462):c.5328G>A (p.Ser1776=)

Gene: ZNF462 (zinc finger protein 462; plus strand). Cytogenetic location: 9q31.2.
Variant type: single nucleotide variant.
Coding change: c.5328G>A on transcript NM_021224.6 (MANE Select); coding-DNA position 5328, G replaced by A.
Protein change: p.Ser1776=; no amino-acid change (serine 1776 retained).
Molecular consequence: synonymous variant. On other transcripts: intron variant (1).
Genome position (GRCh38, 1-based): chr9:106,929,240, G>A. VCF-style: chr9-106929240-G-A. GRCh37 (hg19) VCF-style: chr9-109691521-G-A.
Other names: c.5328G>A (NM_021224.5); c.3253-1285G>A (NM_001347997.2).
Identifiers: ClinVar variation 784648 (VCV000784648.36), dbSNP rs17785570, ClinGen allele CA5171984.